The following is an entry in ClinVar:

ClinVar aggregate classification (germline): Pathogenic. Review status: criteria provided, multiple submitters, no conflicts (2 of 4 stars). 2 submissions from 2 submitters: Pathogenic (2). Last evaluated 2025-10-02.

Conditions:
Hereditary cancer-predisposing syndrome. Also called: Tumor predisposition; Hereditary neoplastic syndrome; Neoplastic Syndromes, Hereditary; Hereditary Cancer Syndrome. Identifiers: Orphanet 140162, MedGen C0027672, MeSH D009386, MONDO:0015356.
Lynch syndrome 5 (LYNCH5). Also called: Colorectal cancer, hereditary nonpolyposis, type 5; Hereditary non-polyposis colorectal cancer, type 5. Identifiers: Orphanet 144, MedGen C1833477, MONDO:0013710, OMIM 614350. Disease mechanism: loss of function.

Submissions (2):

Ambry Genetics
Classification: Pathogenic for Hereditary cancer-predisposing syndrome. Last evaluated: 2025-10-02. Review status: criteria provided, single submitter. Criteria: Ambry Variant Classification Scheme 2023. Collection method: clinical testing. Allele origin: germline.
Comment: The c.3696_3717dup22 pathogenic mutation, located in coding exon 8 of the MSH6 gene, results from a duplication of TAAAGAACTTGCTGAGACTATA at nucleotide position 3696, causing a translational frameshift with a predicted alternate stop codon (p.K1240*). This variant is considered to be rare based on population cohorts in the Genome Aggregation Database (gnomAD). This alteration is expected to result in loss of function by premature protein truncation or nonsense-mediated mRNA decay. As such, this alteration is interpreted as a disease-causing mutation.

Myriad Genetics, Inc.
Classification: Pathogenic for Lynch syndrome 5. Last evaluated: 2023-08-25. Review status: criteria provided, single submitter. Criteria: Myriad Autosomal Dominant, Autosomal Recessive and X-Linked Classification Criteria (2023). Collection method: clinical testing. Allele origin: unknown.
Comment: This variant is considered pathogenic. This variant creates a termination codon and is predicted to result in premature protein truncation.

NM_000179.3(MSH6):c.3696_3717dup (p.Lys1240Ter)

Gene: MSH6 (mutS homolog 6; plus strand). Cytogenetic location: 2p16.3.
Variant type: Duplication.
Coding change: c.3696_3717dup on transcript NM_000179.3 (MANE Select); coding-DNA positions 3696 to 3717, 22 bases duplicated (TAAAGAACTTGCTGAGACTATA).
Protein change: p.Lys1240Ter; replaces lysine 1240 with a stop codon.
Molecular consequence: nonsense. On other transcripts: non-coding transcript variant (5).
Genome position (GRCh38, 1-based): chr2:47,806,253-47,806,274, TAAAGAACTTGCTGAGACTATA duplicated. VCF-style (leftmost placement, unchanged base first): chr2-47806252-T-TTAAAGAACTTGCTGAGACTATA. GRCh37 (hg19) VCF-style: chr2-48033391-T-TTAAAGAACTTGCTGAGACTATA.
Other names: c.3696_3717dupTAAAGAACTTGCTGAGACTATA (NM_000179.2); c.3306_3327dup, p.Lys1110Ter (NM_001281492.2); c.2790_2811dup, p.Lys938Ter (NM_001281493.2, NM_001281494.2, NM_001406811.1 and 6 more transcripts); c.3792_3813dup, p.Lys1272Ter (NM_001406795.1, NM_001406802.1); c.3696_3717dup, p.Lys1240Ter (NM_001406796.1, NM_001406800.1, NM_001406808.1 and 1 more transcripts); c.3399_3420dup, p.Lys1141Ter (NM_001406797.1, NM_001406801.1, NM_001406805.1 and 10 more transcripts); c.3522_3543dup, p.Lys1182Ter (NM_001406798.1); c.3171_3192dup, p.Lys1065Ter (NM_001406799.1, NM_001406806.1, NM_001406807.1); and 8 more; short protein forms K1065*, K1110*, K1141*, K1182*, K1184*, K1214*, K1240*, K1242*.
Identifiers: ClinVar variation 2673721 (VCV002673721.2), dbSNP rs2530840246, ClinGen allele CA2695200601.